The following is an entry in ClinVar:

NM_000135.4(FANCA):c.1308G>C (p.Gln436His)

Gene: FANCA (FA complementation group A; minus strand). Cytogenetic location: 16q24.3.
Variant type: single nucleotide variant.
Coding change: c.1308G>C on transcript NM_000135.4 (MANE Select); coding-DNA position 1308, G replaced by C.
Protein change: p.Gln436His; replaces glutamine 436 with histidine.
Molecular consequence: missense variant.
Genome position (GRCh38, 1-based): chr16:89,791,454, C>G on the plus strand (G>C on the coding strand, the complement: FANCA is on the minus strand). VCF-style: chr16-89791454-C-G. GRCh37 (hg19) VCF-style: chr16-89857862-C-G.
Other names: c.1308G>C, p.Gln436His (NM_001286167.3); short protein forms Q436H.
Identifiers: ClinVar variation 1067037 (VCV001067037.9), dbSNP rs1316078638, ClinGen allele CA397463942.

ClinVar aggregate classification (germline): Likely pathogenic (1 of 4 stars; one submission).

Conditions:
Fanconi anemia (FA). Also called: Fanconi's anemia. Identifiers: Orphanet 84, MedGen C0015625, MeSH D005199, MONDO:0019391.

Submission:

Labcorp Genetics (formerly Invitae), Labcorp
Classification: Likely pathogenic for Fanconi anemia. Last evaluated: 2020-10-23. Review status: criteria provided, single submitter. Criteria: Invitae Variant Classification Sherloc (09022015). Collection method: clinical testing. Allele origin: germline.
Comment: This variant is not present in population databases (ExAC no frequency). In summary, the currently available evidence indicates that the variant is pathogenic, but additional data are needed to prove that conclusively. Therefore, this variant has been classified as Likely Pathogenic. This variant disrupts the p.Gln436 amino acid residue in FANCA. Other variant(s) that disrupt this residue have been determined to be pathogenic (PMID: 29098742). This suggests that this residue is clinically significant, and that variants that disrupt this residue are likely to be disease-causing. Advanced modeling of protein sequence and biophysical properties (such as structural, functional, and spatial information, amino acid conservation, physicochemical variation, residue mobility, and thermodynamic stability) performed at Invitae indicates that this missense variant is expected to disrupt FANCA protein function. This variant has not been reported in the literature in individuals with FANCA-related conditions. This sequence change replaces glutamine with histidine at codon 436 of the FANCA protein (p.Gln436His). The glutamine residue is highly conserved and there is a small physicochemical difference between glutamine and histidine.

Literature cited by the submitters: PubMed 29098742.